The following is an entry in ClinVar:

ClinVar aggregate classification (germline): Uncertain significance (1 of 4 stars; one submission).

Conditions:
Arrhythmogenic right ventricular dysplasia 8 (ARVD8). Also called: Arrhythmogenic Right Ventricular Dysplasia/Cardiomyopathy 8; ARRHYTHMOGENIC RIGHT VENTRICULAR DYSPLASIA, FAMILIAL, 8; ARRHYTHMOGENIC RIGHT VENTRICULAR CARDIOMYOPATHY 8. Identifiers: MedGen C1843896, MONDO:0011831, OMIM 607450.
Arrhythmogenic cardiomyopathy with wooly hair and keratoderma. Also called: PALMOPLANTAR KERATODERMA WITH LEFT VENTRICULAR CARDIOMYOPATHY AND WOOLLY HAIR; Dilated cardiomyopathy with woolly hair and keratoderma; Arrhythmogenic cardiomyopathy with woolly hair and keratoderma; Carvajal syndrome. Identifiers: Orphanet 65282, MedGen C1854063, MONDO:0011581, OMIM 605676.

Submission:

Labcorp Genetics (formerly Invitae), Labcorp
Classification: Uncertain significance for Arrhythmogenic cardiomyopathy with wooly hair and keratoderma; Arrhythmogenic right ventricular dysplasia 8. Last evaluated: 2026-02-01. Review status: criteria provided, single submitter. Criteria: Invitae Variant Classification Sherloc (09022015). Collection method: clinical testing. Allele origin: germline.
Comment: This sequence change replaces glutamic acid, which is acidic and polar, with glutamine, which is neutral and polar, at codon 1889 of the DSP protein (p.Glu1889Gln). This variant is not present in population databases (gnomAD no frequency). This variant has not been reported in the literature in individuals affected with DSP-related conditions. An algorithm developed to predict the effect of missense changes on protein structure and function (PolyPhen-2) suggests that this variant is likely to be disruptive. In summary, the available evidence is currently insufficient to determine the role of this variant in disease. Therefore, it has been classified as a Variant of Uncertain Significance.

NM_004415.4(DSP):c.5665G>C (p.Glu1889Gln)

Gene: DSP (desmoplakin; plus strand). Cytogenetic location: 6p24.3.
Variant type: single nucleotide variant.
Coding change: c.5665G>C on transcript NM_004415.4 (MANE Select); coding-DNA position 5665, G replaced by C.
Protein change: p.Glu1889Gln; replaces glutamic acid 1889 with glutamine.
Molecular consequence: missense variant.
Genome position (GRCh38, 1-based): chr6:7,582,927, G>C. VCF-style: chr6-7582927-G-C. GRCh37 (hg19) VCF-style: chr6-7583160-G-C.
Other names: c.3868G>C, p.Glu1290Gln (NM_001008844.3); c.4336G>C, p.Glu1446Gln (NM_001319034.2); short protein forms E1290Q, E1446Q, E1889Q.
Identifiers: ClinVar variation 4793491 (VCV004793491.1).